The following is an entry in ClinVar:

NM_001162501.2(TNRC6B):c.3242G>A (p.Ser1081Asn)

Gene: TNRC6B (trinucleotide repeat containing adaptor 6B; plus strand). Cytogenetic location: 22q13.1.
Variant type: single nucleotide variant.
Coding change: c.3242G>A on transcript NM_001162501.2 (MANE Select); coding-DNA position 3242, G replaced by A.
Protein change: p.Ser1081Asn; replaces serine 1081 with asparagine.
Molecular consequence: missense variant.
Genome position (GRCh38, 1-based): chr22:40,278,024, G>A. VCF-style: chr22-40278024-G-A. GRCh37 (hg19) VCF-style: chr22-40674028-G-A.
Other names: c.1001G>A, p.Ser334Asn (NM_001024843.2); c.3083G>A, p.Ser1028Asn (NM_015088.3); short protein forms S1028N, S334N, S1081N.
Identifiers: ClinVar variation 2258983 (VCV002258983.4), dbSNP rs535116242, ClinGen allele CA10247018.
Genomic context (GRCh38, chr22:40,278,024, plus strand): 5'-CCTTAATTCTCTCTCATCTGTTCTTTATTTTCCAGAGTCAGACTGAAGATAATCCAAGCA[G>A]CAAAATGGATTTGTCTGTAGGTGTGTATCACTCCGCTGAAAAGAATGGAGTATATCAGTG-3'
Protein context (NP_001155973.1, residues 1071-1091): LLSQTEDNPS[Ser1081Asn]KMDLSVGSLS

ClinVar aggregate classification (germline): Uncertain significance. Review status: criteria provided, multiple submitters, no conflicts (2 of 4 stars). 2 submissions from 2 submitters: Uncertain significance (2). Last evaluated 2024-12-09.

Conditions:
Inborn genetic diseases. Identifiers: MedGen C0950123, MeSH D030342.
TNRC6B-related disorder. Also called: TNRC6B-related condition.

Allele frequency attached by ClinVar (database versions not stated): gnomAD exomes below 0.00001; gnomAD 0.00001; ExAC 0.00003; TOPMed 0.00007; 1000 Genomes Project 30x 0.00016; 1000 Genomes Project 0.00020.
gnomAD v4.1: 5 of 1,562,654 alleles (0.00032%); highest among the groups gnomAD compares: Admixed American, 0.0077%; no homozygotes.

Submissions (2):

Ambry Genetics
Classification: Uncertain significance for Inborn genetic diseases. Last evaluated: 2024-12-09. Review status: criteria provided, single submitter. Criteria: Ambry Variant Classification Scheme 2023. Collection method: clinical testing. Allele origin: germline.

PreventionGenetics, part of Exact Sciences
Classification: Uncertain significance for TNRC6B-related condition. Last evaluated: 2022-09-09. Review status: criteria provided, single submitter. Criteria: ACMG Guidelines, 2015. Collection method: clinical testing. Allele origin: germline.
Comment: The TNRC6B c.3242G>A variant is predicted to result in the amino acid substitution p.Ser1081Asn. To our knowledge, this variant has not been reported in the literature. This variant is reported in 0.0088% of alleles in individuals of African descent in gnomAD. At this time, the clinical significance of this variant is uncertain due to the absence of conclusive functional and genetic evidence.